The following is an entry in ClinVar:

NM_001698.3(AUH):c.498C>G (p.Asn166Lys)

Gene: AUH (AU RNA binding methylglutaconyl-CoA hydratase; minus strand). Cytogenetic location: 9q22.31.
Variant type: single nucleotide variant.
Coding change: c.498C>G on transcript NM_001698.3 (MANE Select); coding-DNA position 498, C replaced by G.
Protein change: p.Asn166Lys; replaces asparagine 166 with lysine.
Molecular consequence: missense variant. On other transcripts: intron variant (1).
Genome position (GRCh38, 1-based): chr9:91,325,325, G>C on the plus strand (C>G on the coding strand, the complement: AUH is on the minus strand). VCF-style: chr9-91325325-G-C. GRCh37 (hg19) VCF-style: chr9-94087607-G-C.
Other names: c.171C>G, p.Asn57Lys (NM_001351431.2, NM_001351432.2, NM_001351433.2); c.419-27249C>G (NM_001306190.2); short protein forms N57K, N166K.
Identifiers: ClinVar variation 2117268 (VCV002117268.4), dbSNP rs759687304, ClinGen allele CA5119843.

ClinVar aggregate classification (germline): Uncertain significance (1 of 4 stars; one submission).

Conditions:
3-methylglutaconic aciduria type 1 (MGCA1). Identifiers: Orphanet 67046, MedGen C0342727, MONDO:0009610, OMIM 250950.

gnomAD v4.1: 1 of 1,613,368 alleles (0.000062%); highest among the groups gnomAD compares: East Asian, 0.0022%; no homozygotes.

Submission:

Labcorp Genetics (formerly Invitae), Labcorp
Classification: Uncertain significance for 3-methylglutaconic aciduria type 1. Last evaluated: 2022-03-26. Review status: criteria provided, single submitter. Criteria: Invitae Variant Classification Sherloc (09022015). Collection method: clinical testing. Allele origin: germline.
Comment: In summary, the available evidence is currently insufficient to determine the role of this variant in disease. Therefore, it has been classified as a Variant of Uncertain Significance. Algorithms developed to predict the effect of missense changes on protein structure and function (SIFT, PolyPhen-2, Align-GVGD) all suggest that this variant is likely to be tolerated. This variant has not been reported in the literature in individuals affected with AUH-related conditions. This variant is present in population databases (rs759687304, gnomAD 0.006%). This sequence change replaces asparagine, which is neutral and polar, with lysine, which is basic and polar, at codon 166 of the AUH protein (p.Asn166Lys).